The following is an entry in ClinVar:

ClinVar aggregate classification (germline): Pathogenic (1 of 4 stars; one submission).

Conditions:
Autosomal recessive juvenile Parkinson disease 2. Also called: Parkinson disease, juvenile, type 2; PRKN-Related Early-Onset Parkinson Disease; PARKINSON DISEASE, JUVENILE, AUTOSOMAL RECESSIVE; Parkinson disease autosomal recessive, early onset; Juvenile parkinsonism; Parkinsonism, early onset, with diurnal fluctuation. Identifiers: Orphanet 2828, MedGen C1868675, MONDO:0010820, OMIM 600116.

Submission:

Women's Health and Genetics/Laboratory Corporation of America, LabCorp
Classification: Pathogenic for Autosomal recessive juvenile Parkinson disease 2. Last evaluated: 2024-12-30. Review status: criteria provided, single submitter. Criteria: LabCorp Variant Classification Summary - May 2015. Collection method: clinical testing. Allele origin: germline.
Comment: Variant summary: The variant involves the deletion of exons 3 and 4 in the PRKN gene. A presumed nomenclature of c.(171+1_172-1)_(534+1_535-1)del has been designated for the purposes of this classification. This Copy Number Variant (CNV) is predicted to result in an in-frame deletion within this gene. The variant allele was found at a frequency of 4.6e-05 in 21694 control chromosomes. c.(171+1_172-1)_(534+1_535-1)del has been reported in the literature in multiple homozygous and compound heterozygous individuals affected with Autosomal Recessive Juvenile Parkinson Disease 2 (Hattori_1998, Lcking_2000). These data indicate that the variant is very likely to be associated with disease. To our knowledge, no experimental evidence demonstrating an impact on protein function has been reported. The following publications have been ascertained in the context of this evaluation (PMID: 19715670, 9851438, 10824074). No submitters have cited clinical-significance assessments for this variant to ClinVar. Based on the evidence outlined above, the variant was classified as pathogenic.

Literature cited by the submitters: PubMed 19715670; PubMed 9851438; PubMed 10824074.

NC_000006.11:g.(162475207_162622162)_(162683798_162864341)del

Gene: PRKN (parkin RBR E3 ubiquitin protein ligase; minus strand). Cytogenetic location: 6q26.
Variant type: Deletion.
Identifiers: ClinVar variation 3768487 (VCV003768487.1).